The following is an entry in ClinVar:

NM_201384.3(PLEC):c.2024T>C (p.Leu675Pro)

Gene: PLEC (plectin; minus strand). Cytogenetic location: 8q24.3.
Variant type: single nucleotide variant.
Coding change: c.2024T>C on transcript NM_201384.3 (MANE Select); coding-DNA position 2024, T replaced by C.
Protein change: p.Leu675Pro; replaces leucine 675 with proline.
Molecular consequence: missense variant.
Genome position (GRCh38, 1-based): chr8:143,932,188, A>G on the plus strand (T>C on the coding strand, the complement: PLEC is on the minus strand). VCF-style: chr8-143932188-A-G. GRCh37 (hg19) VCF-style: chr8-145006356-A-G.
Other names: c.2105T>C, p.Leu702Pro (NM_000445.5); c.1982T>C, p.Leu661Pro (NM_201378.4); c.1958T>C, p.Leu653Pro (NM_201379.3); c.2435T>C, p.Leu812Pro (NM_201380.4); c.1928T>C, p.Leu643Pro (NM_201381.3); c.2024T>C, p.Leu675Pro (NM_201382.4); c.2036T>C, p.Leu679Pro (NM_201383.3); short protein forms L643P, L653P, L661P, L675P, L679P, L702P, L812P.
Identifiers: ClinVar variation 635338 (VCV000635338.18), dbSNP rs782636181, ClinGen allele CA4927726.

ClinVar aggregate classification (germline): Uncertain significance. Review status: criteria provided, multiple submitters, no conflicts (2 of 4 stars). 4 submissions from 4 submitters: Uncertain significance (4). Last evaluated 2025-11-27.

Conditions:
Epidermolysis bullosa simplex 5C, with pyloric atresia (EBS5C). Also called: PLEC-Related Epidermolysis Bullosa with Pyloric Atresia; Epidermolysis bullosa simplex with pyloric atresia; PLEC1-Related Epidermolysis Bullosa with Pyloric Atresia. Identifiers: Orphanet 158684, MedGen C2677349, MONDO:0012807, OMIM 612138.
Epidermolysis bullosa simplex 5B, with muscular dystrophy (EBS5B). Also called: EPIDERMOLYSIS BULLOSA SIMPLEX AND LIMB-GIRDLE MUSCULAR DYSTROPHY; Epidermolysis bullosa simplex with muscular dystrophy. Identifiers: Orphanet 257, MedGen C2931072, MONDO:0009181, OMIM 226670.
Autosomal recessive limb-girdle muscular dystrophy type 2Q (LGMDR17). Also called: MUSCULAR DYSTROPHY, LIMB-GIRDLE, AUTOSOMAL RECESSIVE 17. Identifiers: Orphanet 254361, MedGen C3150989, MONDO:0013390, OMIM 613723.
Epidermolysis bullosa simplex with nail dystrophy (EBS5D). Identifiers: MedGen C4225309, MONDO:0014661, OMIM 616487.
Epidermolysis bullosa simplex, Ogna type (EBS5A). Also called: Pidermolysis bullosa simplex 5A, Ogna type; EPIDERMOLYSIS BULLOSA SIMPLEX 5A, OGNA TYPE. Identifiers: Orphanet 79401, MedGen C0432317, MONDO:0007555, OMIM 131950.

Allele frequency attached by ClinVar (database versions not stated): gnomAD 0.00007 and 0.00008; TOPMed 0.00007; gnomAD exomes 0.00008 and 0.00011; ExAC 0.00009.
gnomAD v4.1: 135 of 1,611,900 alleles (0.0084%); highest among the groups gnomAD compares: Middle Eastern, 0.067%; no homozygotes.

Submissions (4):

Labcorp Genetics (formerly Invitae), Labcorp
Classification: Uncertain significance for Autosomal recessive limb-girdle muscular dystrophy type 2Q; Epidermolysis bullosa simplex, Ogna type; Epidermolysis bullosa simplex with nail dystrophy; Epidermolysis bullosa simplex 5C, with pyloric atresia; Epidermolysis bullosa simplex 5B, with muscular dystrophy. Last evaluated: 2025-11-27. Review status: criteria provided, single submitter. Criteria: Invitae Variant Classification Sherloc (09022015). Collection method: clinical testing. Allele origin: germline.
Comment: This sequence change replaces leucine, which is neutral and non-polar, with proline, which is neutral and non-polar, at codon 702 of the PLEC protein (p.Leu702Pro). This variant is present in population databases (rs782636181, gnomAD 0.03%). This missense change has been observed in individual(s) with clinical features of muscular dystrophy (PMID: 31319225). ClinVar contains an entry for this variant (Variation ID: 635338). Invitae Evidence Modeling of protein sequence and biophysical properties (such as structural, functional, and spatial information, amino acid conservation, physicochemical variation, residue mobility, and thermodynamic stability) indicates that this missense variant is not expected to disrupt PLEC protein function with a negative predictive value of 80%. In summary, the available evidence is currently insufficient to determine the role of this variant in disease. Therefore, it has been classified as a Variant of Uncertain Significance.

Revvity Omics, Revvity
Classification: Uncertain significance. Last evaluated: 2023-09-28. Review status: criteria provided, single submitter. Criteria: ACMG Guidelines, 2015. Collection method: clinical testing. Allele origin: germline.

GeneDx
Classification: Uncertain significance. Last evaluated: 2019-11-01. Review status: criteria provided, single submitter. Criteria: GeneDx Variant Classification Process June 2021. Collection method: clinical testing. Allele origin: germline. Affected: yes.
Comment: In silico analysis, which includes protein predictors and evolutionary conservation, supports a deleterious effect; Missense variant in a gene in which most reported pathogenic variants are truncating/loss-of-function; Identified in an individual with a clinical diagnosis of DMD (Isik et al., 2019); This variant is associated with the following publications: (PMID: 31319225)

Ege University Pediatric Genetics, Ege University
Classification: Uncertain significance for Muscular dystrophy, limb-girdle, autosomal recessive 17. Last evaluated: 2019-05-15. Review status: criteria provided, single submitter. Criteria: ACMG Guidelines, 2015. Collection method: clinical testing. Allele origin: germline. Affected: yes.

Literature cited by the submitters: PubMed 31319225 (cited by Labcorp Genetics (formerly Invitae), Labcorp and Ege University Pediatric Genetics, Ege University).